The following is an entry in ClinVar:

ClinVar aggregate classification (germline): Uncertain significance (1 of 4 stars; one submission).

Conditions:
Hereditary cancer-predisposing syndrome. Also called: Hereditary Cancer Syndrome; Hereditary neoplastic syndrome; Neoplastic Syndromes, Hereditary; Tumor predisposition. Identifiers: Orphanet 140162, MedGen C0027672, MeSH D009386, MONDO:0015356.

Submission:

Ambry Genetics
Classification: Uncertain significance for Hereditary cancer-predisposing syndrome. Last evaluated: 2020-08-24. Review status: criteria provided, single submitter. Criteria: Ambry Variant Classification Scheme 2023. Collection method: clinical testing. Allele origin: germline.
Comment: The p.L193S variant (also known as c.578T>C), located in coding exon 3 of the MSH6 gene, results from a T to C substitution at nucleotide position 578. The leucine at codon 193 is replaced by serine, an amino acid with dissimilar properties. This amino acid position is well conserved in available vertebrate species. In addition, the in silico prediction for this alteration is inconclusive. Since supporting evidence is limited at this time, the clinical significance of this alteration remains unclear.

NM_000179.3(MSH6):c.578T>C (p.Leu193Ser)

Gene: MSH6 (mutS homolog 6; plus strand). Cytogenetic location: 2p16.3.
Variant type: single nucleotide variant.
Coding change: c.578T>C on transcript NM_000179.3 (MANE Select); coding-DNA position 578, T replaced by C.
Protein change: p.Leu193Ser; replaces leucine 193 with serine.
Molecular consequence: missense variant. On other transcripts: 5 prime UTR variant (1), intron variant (2).
Genome position (GRCh38, 1-based): chr2:47,796,014, T>C. VCF-style: chr2-47796014-T-C. GRCh37 (hg19) VCF-style: chr2-48023153-T-C.
Other names: c.-325T>C (NM_001281494.2); c.674T>C, p.Leu225Ser (NM_001406795.1, NM_001406802.1); c.578T>C, p.Leu193Ser (NM_001406796.1, NM_001406798.1, NM_001406800.1 and 5 more transcripts); c.281T>C, p.Leu94Ser (NM_001406797.1, NM_001406801.1, NM_001406805.1 and 10 more transcripts); c.53T>C, p.Leu18Ser (NM_001406799.1, NM_001406806.1, NM_001406807.1); c.500T>C, p.Leu167Ser (NM_001406804.1); c.584T>C, p.Leu195Ser (NM_001406813.1); c.-417T>C (NM_001406814.1); and 3 more; short protein forms L137S, L94S, L18S, L225S, L167S, L193S, L195S.
Identifiers: ClinVar variation 1749653 (VCV001749653.2), dbSNP rs2104237592, ClinGen allele CA346738807.
Genomic context (GRCh38, chr2:47,796,014, plus strand): 5'-TGAGAGCAATGCAACGTGCAGATGAAGCCTTAAATAAAGACAAGATTAAGAGGCTTGAAT[T>C]GGCAGTTTGTGATGAGCCCTCAGAGCCAGAAGAGGAAGAAGAGATGGAGGTGGGACACGG-3'
Protein context (NP_000170.1, residues 183-203): LNKDKIKRLE[Leu193Ser]AVCDEPSEPE